The following is an entry in ClinVar:

ClinVar aggregate classification (germline): Benign. Review status: criteria provided, multiple submitters, no conflicts (2 of 4 stars). 2 submissions from 2 submitters: Benign (2). Last evaluated 2018-01-13.

Conditions:
Pseudohypoparathyroidism type 1B (PHP1B). Also called: PHP IB; Pseudohypoparathyroidism Ib (PHP-Ib); Pseudohypoparathyroidism Type IB. Identifiers: Orphanet 94089, MedGen C1864100, MONDO:0011301, OMIM 603233.

Allele frequency attached by ClinVar (database versions not stated): 1000 Genomes Project 30x 0.00734; 1000 Genomes Project 0.00779; TOPMed 0.01411; gnomAD 0.01513 and 0.01560.

Submissions (2):

Illumina Laboratory Services, Illumina
Classification: Benign for Pseudohypoparathyroidism type 1B. Last evaluated: 2018-01-13. Review status: criteria provided, single submitter. Criteria: ICSL Variant Classification Criteria 13 December 2019. Collection method: clinical testing. Allele origin: germline.
Comment: This variant was observed in the ICSL laboratory as part of a predisposition screen in an ostensibly healthy population. It had not been previously curated by ICSL or reported in the Human Gene Mutation Database (HGMD: prior to June 1st, 2018), and was therefore a candidate for classification through an automated scoring system. Utilizing variant allele frequency, disease prevalence and penetrance estimates, and inheritance mode, an automated score was calculated to assess if this variant is too frequent to cause the disease. Based on the score and internal cut-off values, a variant classified as benign is not then subjected to further curation. The score for this variant resulted in a classification of benign for this disease.

Breakthrough Genomics
Classification: Benign. Review status: criteria provided, single submitter. Criteria: ACMG Guidelines, 2015. Collection method: not provided. Allele origin: germline. Inheritance: Autosomal dominant inheritance. Affected: yes.

NM_001001433.3(STX16):c.*2080G>A

Genes: STX16 (syntaxin 16; plus strand), STX16-NPEPL1 (STX16-NPEPL1 readthrough (NMD candidate); plus strand). Cytogenetic location: 20q13.32.
Variant type: single nucleotide variant.
Coding change: c.*2080G>A on transcript NM_001001433.3 (MANE Select); 2080 bases downstream of the stop codon, G replaced by A.
Molecular consequence: 3 prime UTR variant. On other transcripts: non-coding transcript variant (3).
Genome position (GRCh38, 1-based): chr20:58,678,371, G>A. VCF-style: chr20-58678371-G-A. GRCh37 (hg19) VCF-style: chr20-57253427-G-A.
Other names: c.*2080G>A (NM_001134772.3, NM_001134773.3, NM_001204868.2 and 1 more transcripts).
Identifiers: ClinVar variation 339091 (VCV000339091.6), dbSNP rs111631847, ClinGen allele CA10644241.